The following is an entry in ClinVar:

ClinVar aggregate classification (germline): Benign. Review status: criteria provided, multiple submitters, no conflicts (2 of 4 stars). 5 submissions from 4 submitters: Benign (5). Last evaluated 2022-03-15.

Conditions:
Fibromuscular dysplasia, multifocal. Identifiers: MedGen C5543412, MONDO:0859151, OMIM 619329.
Ehlers-Danlos syndrome, classic type, 1 (EDSCL1). Also called: Ehlers-Danlos Syndrome, Classic Type, COL5A1-Related; EHLERS-DANLOS SYNDROME, GRAVIS TYPE; EHLERS-DANLOS SYNDROME, SEVERE CLASSIC TYPE; Ehlers-Danlos syndrome, type 1; EDS I. Identifiers: MedGen C0268335, MONDO:0019567, OMIM 130000.

Allele frequency attached by ClinVar (database versions not stated): ESP Exome Variant Server 0.37142; gnomAD exomes 0.44759 and 0.47878; gnomAD 0.39183 and 0.39937; 1000 Genomes Project 30x 0.40490; TOPMed 0.40219; 1000 Genomes Project 0.40815; ExAC 0.45932.
gnomAD v4.1: 710,345 of 1,602,426 alleles (44%); highest among the groups gnomAD compares: Admixed American, 66%; 162,486 homozygotes.

Submissions (5):

Genome-Nilou Lab
Classification: Benign for Ehlers-Danlos syndrome, classic type, 1. Last evaluated: 2022-03-15. Review status: criteria provided, single submitter. Criteria: ACMG Guidelines, 2015. Collection method: clinical testing. Allele origin: germline. Affected: no.

Genome-Nilou Lab
Classification: Benign for Fibromuscular dysplasia, multifocal. Last evaluated: 2022-03-15. Review status: criteria provided, single submitter. Criteria: ACMG Guidelines, 2015. Collection method: clinical testing. Allele origin: germline. Affected: no.

GeneDx
Classification: Benign. Last evaluated: 2018-06-14. Review status: criteria provided, single submitter. Criteria: GeneDx Variant Classification (06012015). Collection method: clinical testing. Allele origin: germline. Affected: yes.
Comment: This variant is considered likely benign or benign based on one or more of the following criteria: it is a conservative change, it occurs at a poorly conserved position in the protein, it is predicted to be benign by multiple in silico algorithms, and/or has population frequency not consistent with disease.

Breakthrough Genomics
Classification: Benign. Review status: criteria provided, single submitter. Criteria: ACMG Guidelines, 2015. Collection method: not provided. Allele origin: germline. Inheritance: Autosomal dominant inheritance. Affected: yes.

PreventionGenetics, part of Exact Sciences
Classification: Benign. Review status: criteria provided, single submitter. Criteria: ACMG Guidelines, 2015. Collection method: clinical testing. Allele origin: germline.

NM_000093.5(COL5A1):c.925-49A>G

Gene: COL5A1 (collagen type V alpha 1 chain; plus strand). Cytogenetic location: 9q34.3.
Variant type: single nucleotide variant.
Coding change: c.925-49A>G on transcript NM_000093.5 (MANE Select); 49 bases into the intron before coding-DNA position 925, A replaced by G.
Molecular consequence: intron variant.
Genome position (GRCh38, 1-based): chr9:134,730,187, A>G. VCF-style: chr9-134730187-A-G. GRCh37 (hg19) VCF-style: chr9-137622033-A-G.
Other names: c.925-49A>G (NM_001278074.1).
Identifiers: ClinVar variation 255102 (VCV000255102.4), dbSNP rs3124308, ClinGen allele CA5318589.